The following is an entry in ClinVar:

NM_177438.3(DICER1):c.3652T>G (p.Ser1218Ala)

Gene: DICER1 (dicer 1, ribonuclease III; minus strand). Cytogenetic location: 14q32.13.
Variant type: single nucleotide variant.
Coding change: c.3652T>G on transcript NM_177438.3 (MANE Select); coding-DNA position 3652, T replaced by G.
Protein change: p.Ser1218Ala; replaces serine 1218 with alanine.
Molecular consequence: missense variant. On other transcripts: non-coding transcript variant (6).
Genome position (GRCh38, 1-based): chr14:95,103,744, A>C on the plus strand (T>G on the coding strand, the complement: DICER1 is on the minus strand). VCF-style: chr14-95103744-A-C. GRCh37 (hg19) VCF-style: chr14-95570081-A-C.
Other names: c.3652T>G, p.Ser1218Ala (NM_001195573.1, NM_001271282.3, NM_001291628.2 and 13 more transcripts); c.3370T>G, p.Ser1124Ala (NM_001395686.1); c.3247T>G, p.Ser1083Ala (NM_001395687.1, NM_001395688.1, NM_001395689.1 and 2 more transcripts); c.3085T>G, p.Ser1029Ala (NM_001395691.1); c.1969T>G, p.Ser657Ala (NM_001395697.1); short protein forms S1124A, S1218A, S1083A, S657A, S1029A.
Identifiers: ClinVar variation 2698887 (VCV002698887.4), dbSNP rs2542704366, ClinGen allele CA390874523.

ClinVar aggregate classification (germline): Uncertain significance. Review status: criteria provided, multiple submitters, no conflicts (2 of 4 stars). 2 submissions from 2 submitters: Uncertain significance (2). Last evaluated 2026-09-02.

Conditions:
Hereditary cancer-predisposing syndrome. Also called: Hereditary neoplastic syndrome; Hereditary Cancer Syndrome; Neoplastic Syndromes, Hereditary; Tumor predisposition. Identifiers: Orphanet 140162, MedGen C0027672, MeSH D009386, MONDO:0015356.
DICER1-related tumor predisposition. Also called: DICER1-related pleuropulmonary blastoma cancer predisposition syndrome; DICER1 syndrome. Identifiers: Orphanet 284343, MedGen C3839822, MONDO:0100216.

Submissions (2):

Ambry Genetics
Classification: Uncertain significance for Hereditary cancer-predisposing syndrome. Last evaluated: 2026-09-02. Review status: criteria provided, single submitter. Criteria: Ambry Variant Classification Scheme 2023. Collection method: clinical testing. Allele origin: germline.
Comment: The p.S1218A variant (also known as c.3652T>G), located in coding exon 20 of the DICER1 gene, results from a T to G substitution at nucleotide position 3652. The serine at codon 1218 is replaced by alanine, an amino acid with similar properties. This amino acid position is conserved. In addition, this alteration is predicted to be tolerated by in silico analysis. Based on the available evidence, the clinical significance of this variant remains unclear.

Labcorp Genetics (formerly Invitae), Labcorp
Classification: Uncertain significance for DICER1-related tumor predisposition. Last evaluated: 2025-04-22. Review status: criteria provided, single submitter. Criteria: Invitae Variant Classification Sherloc (09022015). Collection method: clinical testing. Allele origin: germline.
Comment: This sequence change replaces serine, which is neutral and polar, with alanine, which is neutral and non-polar, at codon 1218 of the DICER1 protein (p.Ser1218Ala). This variant is not present in population databases (gnomAD no frequency). This variant has not been reported in the literature in individuals affected with DICER1-related conditions. ClinVar contains an entry for this variant (Variation ID: 2698887). Invitae Evidence Modeling of protein sequence and biophysical properties (such as structural, functional, and spatial information, amino acid conservation, physicochemical variation, residue mobility, and thermodynamic stability) indicates that this missense variant is not expected to disrupt DICER1 protein function with a negative predictive value of 95%. In summary, the available evidence is currently insufficient to determine the role of this variant in disease. Therefore, it has been classified as a Variant of Uncertain Significance.